The following is an entry in ClinVar:

ClinVar aggregate classification (germline): Uncertain significance (1 of 4 stars; one submission).

Conditions:
Candidiasis, familial, 9 (CANDF9). Identifiers: Orphanet 1334, MedGen C4225324, MONDO:0014642, OMIM 616445.

Submission:

Labcorp Genetics (formerly Invitae), Labcorp
Classification: Uncertain significance for Candidiasis, familial, 9. Last evaluated: 2024-02-19. Review status: criteria provided, single submitter. Criteria: Invitae Variant Classification Sherloc (09022015). Collection method: clinical testing. Allele origin: germline.
Comment: This sequence change replaces proline, which is neutral and non-polar, with serine, which is neutral and polar, at codon 770 of the IL17RC protein (p.Pro770Ser). This variant is not present in population databases (gnomAD no frequency). This variant has not been reported in the literature in individuals affected with IL17RC-related conditions. Algorithms developed to predict the effect of missense changes on protein structure and function output the following: SIFT: "Not Available"; PolyPhen-2: "Not Available"; Align-GVGD: "Not Available". The serine amino acid residue is found in multiple mammalian species, which suggests that this missense change does not adversely affect protein function. In summary, the available evidence is currently insufficient to determine the role of this variant in disease. Therefore, it has been classified as a Variant of Uncertain Significance.

NM_153460.4(IL17RC):c.2095C>T (p.Pro699Ser)

Genes: IL17RC (interleukin 17 receptor C; plus strand), LOC129936144 (ATAC-STARR-seq lymphoblastoid silent region 14051; plus strand). Cytogenetic location: 3p25.3.
Variant type: single nucleotide variant.
Coding change: c.2095C>T on transcript NM_153460.4 (MANE Select); coding-DNA position 2095, C replaced by T.
Protein change: p.Pro699Ser; replaces proline 699 with serine.
Molecular consequence: missense variant. On other transcripts: non-coding transcript variant (1).
Genome position (GRCh38, 1-based): chr3:9,933,525, C>T. VCF-style: chr3-9933525-C-T. GRCh37 (hg19) VCF-style: chr3-9975209-C-T.
Other names: c.1936C>T, p.Pro646Ser (NM_001367279.1); c.2011C>T, p.Pro671Ser (NM_001367280.1); c.1960C>T, p.Pro654Ser (NM_001410711.1); c.2050C>T, p.Pro684Ser (NM_032732.6); c.2308C>T, p.Pro770Ser (NM_153461.4); c.2056C>T, p.Pro686Ser (NM_001203263.2); c.2005C>T, p.Pro669Ser (NM_001203264.2); c.1999C>T, p.Pro667Ser (NM_001203265.2); and 1 more; short protein forms P654S, P669S, P673S, P684S, P770S, P686S, P646S, P667S.
Identifiers: ClinVar variation 3642125 (VCV003642125.2).